The following is an entry in ClinVar:

ClinVar aggregate classification (germline): Benign. Review status: criteria provided, multiple submitters, no conflicts (2 of 4 stars). 2 submissions from 2 submitters: Benign (2). Last evaluated 2018-01-13.

Conditions:
Retinitis pigmentosa (RP). Identifiers: Orphanet 791, MedGen C0035334, MeSH D012174, MONDO:0019200, OMIM 268000. Inheritance: Autosomal dominant, autosomal recessive and X linked inheritance.

Allele frequency attached by ClinVar (database versions not stated): gnomAD 0.17522 and 0.17623; TOPMed 0.17609; 1000 Genomes Project 30x 0.17801; gnomAD exomes 0.19891.

Submissions (2):

Illumina Laboratory Services, Illumina
Classification: Benign for Retinitis pigmentosa. Last evaluated: 2018-01-13. Review status: criteria provided, single submitter. Criteria: ICSL Variant Classification Criteria 13 December 2019. Collection method: clinical testing. Allele origin: germline.
Comment: This variant was observed in the ICSL laboratory as part of a predisposition screen in an ostensibly healthy population. It had not been previously curated by ICSL or reported in the Human Gene Mutation Database (HGMD: prior to June 1st, 2018), and was therefore a candidate for classification through an automated scoring system. Utilizing variant allele frequency, disease prevalence and penetrance estimates, and inheritance mode, an automated score was calculated to assess if this variant is too frequent to cause the disease. Based on the score and internal cut-off values, a variant classified as benign is not then subjected to further curation. The score for this variant resulted in a classification of benign for this disease.

Breakthrough Genomics
Classification: Benign. Review status: criteria provided, single submitter. Criteria: ACMG Guidelines, 2015. Collection method: not provided. Allele origin: germline. Inheritance: Autosomal dominant inheritance. Affected: yes.

NM_015629.4(PRPF31):c.-9+14=

Gene: PRPF31 (pre-mRNA processing factor 31; plus strand). Cytogenetic location: 19q13.42.
Variant type: single nucleotide variant.
Coding change: c.-9+14= on transcript NM_015629.4 (MANE Select); 14 bases into the intron after 9 bases upstream of the start codon, no change from the reference sequence.
Molecular consequence: intron variant.
Genome position: GRCh38 VCF-style: chr19-54115811-G-G. GRCh37 (hg19) VCF-style: chr19-54619191-A-G.
Identifiers: ClinVar variation 330092 (VCV000330092.6), dbSNP rs4806711.